The following is an entry in ClinVar:

NM_001985.3(ETFB):c.254G>C (p.Arg85Pro)

Gene: ETFB (electron transfer flavoprotein subunit beta; minus strand). Cytogenetic location: 19q13.41.
Variant type: single nucleotide variant.
Coding change: c.254G>C on transcript NM_001985.3 (MANE Select); coding-DNA position 254, G replaced by C.
Protein change: p.Arg85Pro; replaces arginine 85 with proline.
Molecular consequence: missense variant.
Genome position (GRCh38, 1-based): chr19:51,353,253, C>G on the plus strand (G>C on the coding strand, the complement: ETFB is on the minus strand). VCF-style: chr19-51353253-C-G. GRCh37 (hg19) VCF-style: chr19-51856507-C-G.
Other names: p.Arg85Pro; c.527G>C, p.Arg176Pro (NM_001014763.1); short protein forms R176P, R85P.
Identifiers: ClinVar variation 2683519 (VCV002683519.1), dbSNP rs747881617, ClinGen allele CA407082672.

ClinVar aggregate classification (germline): Uncertain significance (1 of 4 stars; one submission).

Submission:

Mayo Clinic Laboratories, Mayo Clinic
Classification: Uncertain significance. Last evaluated: 2023-02-22. Review status: criteria provided, single submitter. Criteria: ACMG Guidelines, 2015. Collection method: clinical testing. Allele origin: germline. Observed: 1 variant allele.
Comment: PP3, PM2